The following is an entry in ClinVar:

ClinVar aggregate classification (germline): Uncertain significance (1 of 4 stars; one submission).

Conditions:
Familial thoracic aortic aneurysm and aortic dissection (TAAD). Also called: Thoracic aortic aneurysms and dissections. Identifiers: Orphanet 91387, MedGen C4707243, MONDO:0019625.

Submission:

Ambry Genetics
Classification: Uncertain significance for Familial thoracic aortic aneurysm and aortic dissection. Last evaluated: 2025-12-26. Review status: criteria provided, single submitter. Criteria: Ambry Variant Classification Scheme 2023. Collection method: clinical testing. Allele origin: germline.
Comment: The p.P1153S variant (also known as c.3457C>T), located in coding exon 21 of the NOTCH1 gene, results from a C to T substitution at nucleotide position 3457. The proline at codon 1153 is replaced by serine, an amino acid with similar properties. This amino acid position is conserved. In addition, the in silico prediction for this alteration is inconclusive. Based on the available evidence, the clinical significance of this variant remains unclear.

NM_017617.5(NOTCH1):c.3457C>T (p.Pro1153Ser)

Gene: NOTCH1 (notch receptor 1; minus strand). Cytogenetic location: 9q34.3.
Variant type: single nucleotide variant.
Coding change: c.3457C>T on transcript NM_017617.5 (MANE Select); coding-DNA position 3457, C replaced by T.
Protein change: p.Pro1153Ser; replaces proline 1153 with serine.
Molecular consequence: missense variant.
Genome position (GRCh38, 1-based): chr9:136,508,008, G>A on the plus strand (C>T on the coding strand, the complement: NOTCH1 is on the minus strand). VCF-style: chr9-136508008-G-A. GRCh37 (hg19) VCF-style: chr9-139402460-G-A.
Other names: short protein forms P1153S.
Identifiers: ClinVar variation 4843310 (VCV004843310.1).